The following is an entry in ClinVar:

ClinVar aggregate classification (germline): Uncertain significance (1 of 4 stars; one submission).

Conditions:
Familial thoracic aortic aneurysm and aortic dissection (TAAD). Also called: Thoracic aortic aneurysms and dissections. Identifiers: Orphanet 91387, MedGen C4707243, MONDO:0019625.

Allele frequency attached by ClinVar (database versions not stated): ExAC 0.00002.
gnomAD v4.1: 3 of 1,614,216 alleles (0.00019%); no homozygotes.

Submission:

Ambry Genetics
Classification: Uncertain significance for Familial thoracic aortic aneurysm and aortic dissection. Last evaluated: 2019-06-06. Review status: criteria provided, single submitter. Criteria: Ambry Variant Classification Scheme 2023. Collection method: clinical testing. Allele origin: germline.
Comment: The p.K1109R variant (also known as c.3326A>G), located in coding exon 26 of the FBN1 gene, results from an A to G substitution at nucleotide position 3326. The lysine at codon 1109 is replaced by arginine, an amino acid with highly similar properties, and is located in the cbEGF-like #12 domain. This amino acid position is highly conserved in available vertebrate species. In addition, the in silico prediction for this alteration is inconclusive. Since supporting evidence is limited at this time, the clinical significance of this alteration remains unclear.

NM_000138.5(FBN1):c.3326A>G (p.Lys1109Arg)

Gene: FBN1 (fibrillin 1; minus strand). Cytogenetic location: 15q21.1.
Variant type: single nucleotide variant.
Coding change: c.3326A>G on transcript NM_000138.5 (MANE Select); coding-DNA position 3326, A replaced by G.
Protein change: p.Lys1109Arg; replaces lysine 1109 with arginine.
Molecular consequence: missense variant.
Genome position (GRCh38, 1-based): chr15:48,488,124, T>C on the plus strand (A>G on the coding strand, the complement: FBN1 is on the minus strand). VCF-style: chr15-48488124-T-C. GRCh37 (hg19) VCF-style: chr15-48780321-T-C.
Other names: c.3326A>G, p.Lys1109Arg (NM_001406716.1); short protein forms K1109R.
Identifiers: ClinVar variation 1730244 (VCV001730244.2), dbSNP rs776753439, ClinGen allele CA050301.